The following is an entry in ClinVar:

NM_000138.5(FBN1):c.4957G>A (p.Glu1653Lys)

Gene: FBN1 (fibrillin 1; minus strand). Cytogenetic location: 15q21.1.
Variant type: single nucleotide variant.
Coding change: c.4957G>A on transcript NM_000138.5 (MANE Select); coding-DNA position 4957, G replaced by A.
Protein change: p.Glu1653Lys; replaces glutamic acid 1653 with lysine.
Molecular consequence: missense variant.
Genome position (GRCh38, 1-based): chr15:48,464,007, C>T on the plus strand (G>A on the coding strand, the complement: FBN1 is on the minus strand). VCF-style: chr15-48464007-C-T. GRCh37 (hg19) VCF-style: chr15-48756204-C-T.
Other names: c.4957G>A, p.Glu1653Lys (NM_001406716.1); short protein forms E1653K.
Identifiers: ClinVar variation 4756831 (VCV004756831.1).

ClinVar aggregate classification (germline): Uncertain significance (1 of 4 stars; one submission).

Conditions:
Familial thoracic aortic aneurysm and aortic dissection (TAAD). Also called: Thoracic aortic aneurysms and dissections. Identifiers: Orphanet 91387, MedGen C4707243, MONDO:0019625.

Submission:

Color Diagnostics, LLC DBA Color Health
Classification: Uncertain significance for Familial thoracic aortic aneurysm and aortic dissection. Last evaluated: 2025-06-23. Review status: criteria provided, single submitter. Criteria: ACMG Guidelines, 2015. Collection method: clinical testing. Allele origin: germline.
Comment: This missense variant replaces glutamic acid with lysine at codon 1653 of the FBN1 protein. Computational prediction suggests that this variant may not impact protein structure and function. To our knowledge, functional studies have not been reported for this variant. This variant has not been reported in individuals affected with FBN1-related disorders in the literature. This variant has not been identified in the general population by the Genome Aggregation Database (gnomAD). The available evidence is insufficient to determine the role of this variant in disease conclusively. Therefore, this variant is classified as a Variant of Uncertain Significance.